The following is an entry in ClinVar:

NM_001365276.2(TNXB):c.1646A>C (p.Tyr549Ser)

Gene: TNXB (tenascin XB; minus strand). Cytogenetic location: 6p21.33.
Variant type: single nucleotide variant.
Coding change: c.1646A>C on transcript NM_001365276.2 (MANE Select); coding-DNA position 1646, A replaced by C.
Protein change: p.Tyr549Ser; replaces tyrosine 549 with serine.
Molecular consequence: missense variant.
Genome position (GRCh38, 1-based): chr6:32,096,207, T>G on the plus strand (A>C on the coding strand, the complement: TNXB is on the minus strand). VCF-style: chr6-32096207-T-G. GRCh37 (hg19) VCF-style: chr6-32063984-T-G.
Other names: c.1646A>C, p.Tyr549Ser (NM_001428335.1, NM_019105.8); short protein forms Y549S.
Identifiers: ClinVar variation 3809416 (VCV003809416.3).
Genomic context (GRCh38, chr6:32,096,207, plus strand): 5'-CACTGGCCGCGGCCTCGGCAGCCCCCGGGGCAGCTGCGCGTGCTGCAGTCTTCCCCTGAG[T>G]AGCCTGCGTCACACACGCACACGCCATCCTCGCAAAGGCCGTGCCCACGGCAGTCCCCGG-3'
Protein context (NP_001352205.1, residues 539-559): EDGVCVCDAG[Tyr549Ser]SGEDCSTRSC

ClinVar aggregate classification (germline): Uncertain significance. Review status: criteria provided, multiple submitters, no conflicts (2 of 4 stars). 2 submissions from 2 submitters: Uncertain significance (2). Last evaluated 2025-10-23.

Conditions:
Cardiovascular phenotype. Identifiers: MedGen CN230736.

gnomAD v4.1: 6 of 1,567,872 alleles (0.00038%); highest among the groups gnomAD compares: Non-Finnish European, 0.00043%; no homozygotes.

Submissions (2):

Ambry Genetics
Classification: Uncertain significance for Cardiovascular phenotype. Last evaluated: 2025-10-23. Review status: criteria provided, single submitter. Criteria: Ambry Variant Classification Scheme 2023. Collection method: clinical testing. Allele origin: germline.
Comment: The p.Y549S variant (also known as c.1646A>C), located in coding exon 2 of the TNXB gene, results from an A to C substitution at nucleotide position 1646. The tyrosine at codon 549 is replaced by serine, an amino acid with dissimilar properties. This amino acid position is conserved. In addition, this alteration is predicted to be tolerated by in silico analysis. Based on the available evidence, the clinical significance of this variant remains unclear.

Women's Health and Genetics/Laboratory Corporation of America, LabCorp
Classification: Uncertain significance. Last evaluated: 2025-09-30. Review status: criteria provided, single submitter. Criteria: LabCorp Variant Classification Summary - May 2015. Collection method: clinical testing. Allele origin: germline.
Comment: Variant summary: TNXB c.1646A>C (p.Tyr549Ser) results in a non-conservative amino acid change in the encoded protein sequence. Algorithms developed to predict the effect of missense changes on protein structure and function are either unavailable or do not agree on the potential impact of this missense change. The variant allele was found at a frequency of 1.2e-05 in 171986 control chromosomes. The available data on variant occurrences in the general population are insufficient to allow any conclusion about variant significance. To our knowledge, no occurrence of c.1646A>C in individuals affected with TNXB-related conditions and no experimental evidence demonstrating its impact on protein function have been reported. ClinVar contains an entry for this variant (Variation ID: 3809416). Based on the evidence outlined above, the variant was classified as uncertain significance.